The following is an entry in ClinVar:

ClinVar aggregate classification (germline): Uncertain significance (1 of 4 stars; one submission).

Conditions:
Achondrogenesis, type IA (ACG1A). Identifiers: Orphanet 932, Orphanet 93299, MedGen C0265273, MONDO:0008701, OMIM 200600.

gnomAD v4.1: 1 of 1,614,208 alleles (0.000062%); highest among the groups gnomAD compares: Non-Finnish European, 0.000085%; no homozygotes.

Submission:

Labcorp Genetics (formerly Invitae), Labcorp
Classification: Uncertain significance for Achondrogenesis, type IA. Last evaluated: 2024-12-23. Review status: criteria provided, single submitter. Criteria: Invitae Variant Classification Sherloc (09022015). Collection method: clinical testing. Allele origin: germline.
Comment: This sequence change replaces isoleucine, which is neutral and non-polar, with methionine, which is neutral and non-polar, at codon 1451 of the TRIP11 protein (p.Ile1451Met). This variant is not present in population databases (gnomAD no frequency). This variant has not been reported in the literature in individuals affected with TRIP11-related conditions. Invitae Evidence Modeling of protein sequence and biophysical properties (such as structural, functional, and spatial information, amino acid conservation, physicochemical variation, residue mobility, and thermodynamic stability) indicates that this missense variant is not expected to disrupt TRIP11 protein function with a negative predictive value of 80%. In summary, the available evidence is currently insufficient to determine the role of this variant in disease. Therefore, it has been classified as a Variant of Uncertain Significance.

NM_004239.4(TRIP11):c.4353A>G (p.Ile1451Met)

Gene: TRIP11 (thyroid hormone receptor interactor 11; minus strand). Cytogenetic location: 14q32.12.
Variant type: single nucleotide variant.
Coding change: c.4353A>G on transcript NM_004239.4 (MANE Select); coding-DNA position 4353, A replaced by G.
Protein change: p.Ile1451Met; replaces isoleucine 1451 with methionine.
Molecular consequence: missense variant.
Genome position (GRCh38, 1-based): chr14:92,003,623, T>C on the plus strand (A>G on the coding strand, the complement: TRIP11 is on the minus strand). VCF-style: chr14-92003623-T-C. GRCh37 (hg19) VCF-style: chr14-92469967-T-C.
Other names: c.4350A>G, p.Ile1450Met (NM_001321851.1); short protein forms I1451M, I1450M.
Identifiers: ClinVar variation 3705266 (VCV003705266.1).
Genomic context (GRCh38, chr14:92,003,623, plus strand): 5'-TGTTTCCACTATTTTTTCATTTTCTCCTTTTAGTTTGCCAATGTCCATCTCTAGAATTAA[T>C]ATTCTCTCCTTCAGGTTTGTTACTGCCTGCCTCAAAAGTTCGTTTTCATTTACTTTGTTA-3'
Protein context (NP_004230.2, residues 1441-1461): RQAVTNLKER[Ile1451Met]LILEMDIGKL